The following is an entry in ClinVar:

ClinVar aggregate classification (germline): Uncertain significance (1 of 4 stars; one submission).

Conditions:
Developmental and epileptic encephalopathy, 12 (DEE12). Identifiers: MedGen C3150988, MONDO:0013389, OMIM 613722.

Allele frequency attached by ClinVar (database versions not stated): gnomAD exomes below 0.00001; TOPMed below 0.00001.
gnomAD v4.1: 1 of 1,613,990 alleles (0.000062%); highest among the groups gnomAD compares: Non-Finnish European, 0.000085%; no homozygotes.

Submission:

Labcorp Genetics (formerly Invitae), Labcorp
Classification: Uncertain significance for Developmental and epileptic encephalopathy, 12. Last evaluated: 2022-07-24. Review status: criteria provided, single submitter. Criteria: Invitae Variant Classification Sherloc (09022015). Collection method: clinical testing. Allele origin: germline.
Comment: ClinVar contains an entry for this variant (Variation ID: 864313). In summary, the available evidence is currently insufficient to determine the role of this variant in disease. Therefore, it has been classified as a Variant of Uncertain Significance. Variants that disrupt the consensus splice site are a relatively common cause of aberrant splicing (PMID: 17576681, 9536098). Algorithms developed to predict the effect of sequence changes on RNA splicing suggest that this variant is not likely to affect RNA splicing. This variant has not been reported in the literature in individuals affected with PNKP-related conditions. This variant is not present in population databases (gnomAD no frequency). This sequence change falls in intron 8 of the PNKP gene. It does not directly change the encoded amino acid sequence of the PNKP protein. It affects a nucleotide within the consensus splice site.

Literature cited by the submitters: PubMed 17576681; PubMed 9536098.

NM_007254.4(PNKP):c.817-3T>C

Gene: PNKP (polynucleotide kinase 3'-phosphatase; minus strand). Cytogenetic location: 19q13.33.
Variant type: single nucleotide variant.
Coding change: c.817-3T>C on transcript NM_007254.4 (MANE Select); 3 bases into the intron before coding-DNA position 817, T replaced by C.
Molecular consequence: intron variant.
Genome position (GRCh38, 1-based): chr19:49,862,741, A>G on the plus strand (T>C on the coding strand, the complement: PNKP is on the minus strand). VCF-style: chr19-49862741-A-G. GRCh37 (hg19) VCF-style: chr19-50365998-A-G.
Identifiers: ClinVar variation 864313 (VCV000864313.10), dbSNP rs2074787691, ClinGen allele CA916083712.